The following is an entry in ClinVar:

ClinVar aggregate classification (germline): Pathogenic (1 of 4 stars; one submission).

Conditions:
Intellectual disability, X-linked 102 (MRXSSB). Also called: Intellectual developmental disorder, X-linked syndromic, Snijders Blok type. Identifiers: Orphanet 457260, MedGen C5393299, MONDO:0010497, OMIM 300958.

Submission:

Victorian Clinical Genetics Services, Murdoch Childrens Research Institute
Classification: Pathogenic for Intellectual disability, X-linked 102. Last evaluated: 2025-03-20. Review status: criteria provided, single submitter. Criteria: ACMG Guidelines, 2015. Collection method: clinical testing. Allele origin: germline. Affected: yes.
Comment: This variant is classified as Pathogenic. Evidence in support of pathogenic classification: Variant is predicted to cause nonsense-mediated decay (NMD) and loss of protein (premature termination codon is located at least 54 nucleotides upstream of the final exon-exon junction); Variant is absent from gnomAD (v2, v3 and v4); Other NMD-predicted variants comparable to the one identified in this case have very strong previous evidence for pathogenicity (DECIPHER). Additional information: This variant is heterozygous; This gene is associated with X-linked dominant disease. Females may or may not be symptomatic (OMIM); This variant has no previous evidence of pathogenicity; No published segregation evidence has been identified for this variant; No published functional evidence has been identified for this variant; Loss of function is a known mechanism of disease in this gene and is associated with Snijders Blok-type X-linked syndromic intellectual developmental disorder (MIM#300958); Inheritance information for this variant is not currently available in this individual.

NM_001356.5(DDX3X):c.1345G>T (p.Glu449Ter)

Gene: DDX3X (DEAD-box helicase 3 X-linked; plus strand). Cytogenetic location: Xp11.4.
Variant type: single nucleotide variant.
Coding change: c.1345G>T on transcript NM_001356.5 (MANE Select); coding-DNA position 1345, G replaced by T.
Protein change: p.Glu449Ter; replaces glutamic acid 449 with a stop codon.
Molecular consequence: nonsense. On other transcripts: non-coding transcript variant (1).
Genome position (GRCh38, 1-based): chrX:41,346,258, G>T. VCF-style: chrX-41346258-G-T. GRCh37 (hg19) VCF-style: chrX-41205511-G-T.
Other names: c.1345G>T, p.Glu449Ter (NM_001193416.3); c.1297G>T, p.Glu433Ter (NM_001193417.3); c.787G>T, p.Glu263Ter (NM_001363819.1); short protein forms E263*, E433*, E449*.
Identifiers: ClinVar variation 4531316 (VCV004531316.1).